The following is an entry in ClinVar:

NC_000003.11:g.(?_182733206)_(182733374_?)del

Gene: MCCC1 (methylcrotonyl-CoA carboxylase subunit 1; minus strand). Cytogenetic location: 3q27.1.
Variant type: Deletion.
Identifiers: ClinVar variation 1069009 (VCV001069009.6).

ClinVar aggregate classification (germline): Pathogenic (1 of 4 stars; one submission).

Conditions:
3-methylcrotonyl-CoA carboxylase 1 deficiency (MCC1D). Also called: MCCD TYPE 1; METHYLCROTONYLGLYCINURIA TYPE I; MCC 1 deficiency; 3 Alpha methylcrotonylglycinuria 1. Identifiers: Orphanet 6, MedGen CN028786, MONDO:0008861, OMIM 210200.

Submission:

Labcorp Genetics (formerly Invitae), Labcorp
Classification: Pathogenic for 3-methylcrotonyl-CoA carboxylase 1 deficiency. Last evaluated: 2021-08-04. Review status: criteria provided, single submitter. Criteria: Invitae Variant Classification Sherloc (09022015). Collection method: clinical testing. Allele origin: germline.
Comment: This variant is a gross deletion of the genomic region encompassing exon(s) 19 of the MCCC1 gene. The 5' boundary is likely confined to intron 18. The 3' end of this event is unknown as it extends through the termination codon beyond the assayed region for this gene and may encompass additional genes. While this deletion is not anticipated to lead to nonsense mediated decay, it is expected to alter mRNA translation or result in a truncated protein product. This variant has not been reported in the literature in individuals affected with MCCC1-related conditions. Experimental studies and prediction algorithms are not available or were not evaluated, and the functional significance of this variant is currently unknown. This variant disrupts a region of the MCCC1 protein in which other variant(s) (p.Val694*) have been determined to be pathogenic (PMID: 11406611, 22642865). This suggests that this is a clinically significant region of the protein, and that variants that disrupt it are likely to be disease-causing. For these reasons, this variant has been classified as Pathogenic.

Literature cited by the submitters: PubMed 11406611; PubMed 22642865.